The following is an entry in ClinVar:

ClinVar aggregate classification (germline): Uncertain significance (1 of 4 stars; one submission).

gnomAD v4.1: 3 of 1,205,023 alleles (0.00025%); highest among the groups gnomAD compares: South Asian, 0.0018%; no homozygotes.

Submission:

Labcorp Genetics (formerly Invitae), Labcorp
Classification: Uncertain significance. Last evaluated: 2025-03-10. Review status: criteria provided, single submitter. Criteria: Invitae Variant Classification Sherloc (09022015). Collection method: clinical testing. Allele origin: germline.
Comment: This sequence change replaces arginine, which is basic and polar, with glutamine, which is neutral and polar, at codon 333 of the GRIA3 protein (p.Arg333Gln). The frequency data for this variant in the population databases is considered unreliable, as metrics indicate poor data quality at this position in the gnomAD database. This variant has not been reported in the literature in individuals affected with GRIA3-related conditions. Invitae Evidence Modeling of protein sequence and biophysical properties (such as structural, functional, and spatial information, amino acid conservation, physicochemical variation, residue mobility, and thermodynamic stability) indicates that this missense variant is not expected to disrupt GRIA3 protein function with a negative predictive value of 80%. In summary, the available evidence is currently insufficient to determine the role of this variant in disease. Therefore, it has been classified as a Variant of Uncertain Significance.

NM_007325.5(GRIA3):c.998G>A (p.Arg333Gln)

Gene: GRIA3 (glutamate ionotropic receptor AMPA type subunit 3; plus strand). Cytogenetic location: Xq25.
Variant type: single nucleotide variant.
Coding change: c.998G>A on transcript NM_007325.5 (MANE Select); coding-DNA position 998, G replaced by A.
Protein change: p.Arg333Gln; replaces arginine 333 with glutamine.
Molecular consequence: missense variant.
Genome position (GRCh38, 1-based): chrX:123,398,721, G>A. VCF-style: chrX-123398721-G-A. GRCh37 (hg19) VCF-style: chrX-122532572-G-A.
Other names: c.998G>A, p.Arg333Gln (NM_000828.5); short protein forms R333Q.
Identifiers: ClinVar variation 4804870 (VCV004804870.1).